The following is an entry in ClinVar:

NM_004278.4(PIGL):c.473T>C (p.Ile158Thr)

Gene: PIGL (phosphatidylinositol glycan anchor biosynthesis class L; plus strand). Cytogenetic location: 17p11.2.
Variant type: single nucleotide variant.
Coding change: c.473T>C on transcript NM_004278.4 (MANE Select); coding-DNA position 473, T replaced by C.
Protein change: p.Ile158Thr; replaces isoleucine 158 with threonine.
Molecular consequence: missense variant.
Genome position (GRCh38, 1-based): chr17:16,313,593, T>C. VCF-style: chr17-16313593-T-C. GRCh37 (hg19) VCF-style: chr17-16216907-T-C.
Other names: short protein forms I158T.
Identifiers: ClinVar variation 971208 (VCV000971208.5), dbSNP rs761727688, ClinGen allele CA8409919.

ClinVar aggregate classification (germline): Uncertain significance (1 of 4 stars; one submission).

Allele frequency attached by ClinVar (database versions not stated): gnomAD 0.00002; gnomAD exomes 0.00002 and 0.00013; ExAC 0.00006; TOPMed 0.00007.
gnomAD v4.1: 38 of 1,613,370 alleles (0.0024%); highest among the groups gnomAD compares: Admixed American, 0.063%; no homozygotes.

Submission:

Labcorp Genetics (formerly Invitae), Labcorp
Classification: Uncertain significance. Last evaluated: 2025-12-03. Review status: criteria provided, single submitter. Criteria: Invitae Variant Classification Sherloc (09022015). Collection method: clinical testing. Allele origin: germline.
Comment: This sequence change replaces isoleucine, which is neutral and non-polar, with threonine, which is neutral and polar, at codon 158 of the PIGL protein (p.Ile158Thr). This variant is present in population databases (rs761727688, gnomAD 0.1%). This variant has not been reported in the literature in individuals affected with PIGL-related conditions. ClinVar contains an entry for this variant (Variation ID: 971208). Invitae Evidence Modeling of protein sequence and biophysical properties (such as structural, functional, and spatial information, amino acid conservation, physicochemical variation, residue mobility, and thermodynamic stability) indicates that this missense variant is not expected to disrupt PIGL protein function with a negative predictive value of 80%. In summary, the available evidence is currently insufficient to determine the role of this variant in disease. Therefore, it has been classified as a Variant of Uncertain Significance.